The following is an entry in ClinVar:

NM_022051.3(EGLN1):c.1273G>A (p.Val425Ile)

Gene: EGLN1 (egl-9 family hypoxia inducible factor 1; minus strand). Cytogenetic location: 1q42.2.
Variant type: single nucleotide variant.
Coding change: c.1273G>A on transcript NM_022051.3 (MANE Select); coding-DNA position 1273, G replaced by A.
Protein change: p.Val425Ile; replaces valine 425 with isoleucine.
Molecular consequence: missense variant. On other transcripts: 3 prime UTR variant (2).
Genome position (GRCh38, 1-based): chr1:231,366,419, C>T on the plus strand (G>A on the coding strand, the complement: EGLN1 is on the minus strand). VCF-style: chr1-231366419-C-T. GRCh37 (hg19) VCF-style: chr1-231502165-C-T.
Other names: c.*53G>A (NM_001377260.1); c.*98G>A (NM_001377261.1); short protein forms V425I.
Identifiers: ClinVar variation 863658 (VCV000863658.8), dbSNP rs1472408827, ClinGen allele CA345238229.

ClinVar aggregate classification (germline): Conflicting classifications of pathogenicity. Review status: criteria provided, conflicting classifications (1 of 4 stars). 2 submissions from 2 submitters: Uncertain significance (1); Likely benign (1). Last evaluated 2026-08-28.

Conditions:
Erythrocytosis, familial, 3 (ECYT3). Identifiers: Orphanet 247511, MedGen C1853286, MONDO:0012353, OMIM 609820.

Allele frequency attached by ClinVar (database versions not stated): TOPMed 0.00001; gnomAD 0.00002; gnomAD exomes 0.00001.
gnomAD v4.1: 20 of 1,613,750 alleles (0.0012%); highest among the groups gnomAD compares: African/African-American, 0.004%; no homozygotes.

Submissions (2):

Ambry Genetics
Classification: Likely benign. Last evaluated: 2026-08-28. Review status: criteria provided, single submitter. Criteria: Ambry Variant Classification Scheme 2023. Collection method: clinical testing. Allele origin: germline.

Labcorp Genetics (formerly Invitae), Labcorp
Classification: Uncertain significance for Erythrocytosis, familial, 3. Last evaluated: 2025-05-13. Review status: criteria provided, single submitter. Criteria: Invitae Variant Classification Sherloc (09022015). Collection method: clinical testing. Allele origin: germline.
Comment: This sequence change replaces valine, which is neutral and non-polar, with isoleucine, which is neutral and non-polar, at codon 425 of the EGLN1 protein (p.Val425Ile). This variant is present in population databases (no rsID available, gnomAD 0.004%). This variant has not been reported in the literature in individuals affected with EGLN1-related conditions. ClinVar contains an entry for this variant (Variation ID: 863658). An algorithm developed to predict the effect of missense changes on protein structure and function outputs the following: PolyPhen-2: "Benign". The isoleucine amino acid residue is found in multiple mammalian species, which suggests that this missense change does not adversely affect protein function. In summary, the available evidence is currently insufficient to determine the role of this variant in disease. Therefore, it has been classified as a Variant of Uncertain Significance.